The following is an entry in ClinVar:

NM_005902.4(SMAD3):c.1268G>T (p.Ser423Ile)

Gene: SMAD3 (SMAD family member 3; plus strand). Cytogenetic location: 15q22.33.
Variant type: single nucleotide variant.
Coding change: c.1268G>T on transcript NM_005902.4 (MANE Select); coding-DNA position 1268, G replaced by T.
Protein change: p.Ser423Ile; replaces serine 423 with isoleucine.
Molecular consequence: missense variant.
Genome position (GRCh38, 1-based): chr15:67,190,526, G>T. VCF-style: chr15-67190526-G-T. GRCh37 (hg19) VCF-style: chr15-67482864-G-T.
Other names: c.953G>T, p.Ser318Ile (NM_001145102.2, NM_001407016.1); c.1136G>T, p.Ser379Ile (NM_001145103.2, NM_001407012.1); c.683G>T, p.Ser228Ile (NM_001145104.2, NM_001407017.1); c.1379G>T, p.Ser460Ile (NM_001407011.1); c.1130G>T, p.Ser377Ile (NM_001407013.1); c.1121G>T, p.Ser374Ile (NM_001407014.1); c.821G>T, p.Ser274Ile (NM_001407015.1); short protein forms S274I, S379I, S228I, S374I, S423I, S318I, S377I, S460I.
Identifiers: ClinVar variation 2843405 (VCV002843405.3), dbSNP rs1555414503, ClinGen allele CA392959032.

ClinVar aggregate classification (germline): Likely pathogenic (1 of 4 stars; one submission).

Conditions:
Familial thoracic aortic aneurysm and aortic dissection (TAAD). Also called: Thoracic aortic aneurysms and dissections. Identifiers: Orphanet 91387, MedGen C4707243, MONDO:0019625.

Submission:

Labcorp Genetics (formerly Invitae), Labcorp
Classification: Likely pathogenic for Familial thoracic aortic aneurysm and aortic dissection. Last evaluated: 2024-08-04. Review status: criteria provided, single submitter. Criteria: Invitae Variant Classification Sherloc (09022015). Collection method: clinical testing. Allele origin: germline.
Comment: This sequence change replaces serine, which is neutral and polar, with isoleucine, which is neutral and non-polar, at codon 423 of the SMAD3 protein (p.Ser423Ile). This variant is not present in population databases (gnomAD no frequency). This missense change has been observed in individual(s) with clinical features of SMAD3-related conditions (Invitae). Advanced modeling of protein sequence and biophysical properties (such as structural, functional, and spatial information, amino acid conservation, physicochemical variation, residue mobility, and thermodynamic stability) performed at Invitae indicates that this missense variant is expected to disrupt SMAD3 protein function with a positive predictive value of 95%. This variant disrupts the p.Ser423 amino acid residue in SMAD3. Other variant(s) that disrupt this residue have been observed in individuals with SMAD3-related conditions (PMID: 30661052, 34122524), which suggests that this may be a clinically significant amino acid residue. In summary, the currently available evidence indicates that the variant is pathogenic, but additional data are needed to prove that conclusively. Therefore, this variant has been classified as Likely Pathogenic.

Literature cited by the submitters: PubMed 30661052; PubMed 34122524.